The following is an entry in ClinVar:

NM_001844.5(COL2A1):c.1427C>T (p.Ala476Val)

Gene: COL2A1 (collagen type II alpha 1 chain; minus strand). Cytogenetic location: 12q13.11.
Variant type: single nucleotide variant.
Coding change: c.1427C>T on transcript NM_001844.5 (MANE Select); coding-DNA position 1427, C replaced by T.
Protein change: p.Ala476Val; replaces alanine 476 with valine.
Molecular consequence: missense variant.
Genome position (GRCh38, 1-based): chr12:47,986,436, G>A on the plus strand (C>T on the coding strand, the complement: COL2A1 is on the minus strand). VCF-style: chr12-47986436-G-A. GRCh37 (hg19) VCF-style: chr12-48380219-G-A.
Other names: c.1220C>T, p.Ala407Val (NM_033150.3); short protein forms A476V, A407V.
Identifiers: ClinVar variation 2695516 (VCV002695516.3), dbSNP rs2540149336, ClinGen allele CA384552936.

ClinVar aggregate classification (germline): Uncertain significance (1 of 4 stars; one submission).

Allele frequency attached by ClinVar (database versions not stated): gnomAD exomes below 0.00001.
gnomAD v4.1: 1 of 1,554,564 alleles (0.000064%); no homozygotes.

Submission:

Labcorp Genetics (formerly Invitae), Labcorp
Classification: Uncertain significance. Last evaluated: 2023-11-13. Review status: criteria provided, single submitter. Criteria: Invitae Variant Classification Sherloc (09022015). Collection method: clinical testing. Allele origin: germline.
Comment: This sequence change replaces alanine, which is neutral and non-polar, with valine, which is neutral and non-polar, at codon 476 of the COL2A1 protein (p.Ala476Val). This variant is not present in population databases (gnomAD no frequency). This variant has not been reported in the literature in individuals affected with COL2A1-related conditions. Advanced modeling of protein sequence and biophysical properties (such as structural, functional, and spatial information, amino acid conservation, physicochemical variation, residue mobility, and thermodynamic stability) performed at Invitae indicates that this missense variant is not expected to disrupt COL2A1 protein function with a negative predictive value of 95%. In summary, the available evidence is currently insufficient to determine the role of this variant in disease. Therefore, it has been classified as a Variant of Uncertain Significance.